The following is an entry in ClinVar:

ClinVar aggregate classification (germline): Pathogenic. Review status: criteria provided, multiple submitters, no conflicts (2 of 4 stars). 2 submissions from 2 submitters: Pathogenic (2). Last evaluated 2022-10-31.

Conditions:
Mucopolysaccharidosis type 1. Also called: IDUA deficiency; MPS I; Mucopolysaccharidosis Type I. Identifiers: Orphanet 579, MedGen C0023786, MONDO:0001586.

Submissions (2):

Labcorp Genetics (formerly Invitae), Labcorp
Classification: Pathogenic for Mucopolysaccharidosis type 1. Last evaluated: 2022-10-31. Review status: criteria provided, single submitter. Criteria: Invitae Variant Classification Sherloc (09022015). Collection method: clinical testing. Allele origin: germline.
Comment: This sequence change affects a donor splice site in intron 2 of the IDUA gene. It is expected to disrupt RNA splicing. Variants that disrupt the donor or acceptor splice site typically lead to a loss of protein function (PMID: 16199547), and loss-of-function variants in IDUA are known to be pathogenic (PMID: 11735025, 21480867). This variant is not present in population databases (gnomAD no frequency). Disruption of this splice site has been observed in individual(s) with mucopolysaccharidosis type I (PMID: 21480867). ClinVar contains an entry for this variant (Variation ID: 1323093). Algorithms developed to predict the effect of sequence changes on RNA splicing suggest that this variant may disrupt the consensus splice site. For these reasons, this variant has been classified as Pathogenic.

Revvity Omics, Revvity
Classification: Pathogenic. Last evaluated: 2020-09-22. Review status: criteria provided, single submitter. Criteria: ACMG Guidelines, 2015. Collection method: clinical testing. Allele origin: germline.

Literature cited by the submitters: PubMed 16199547 (cited by Labcorp Genetics (formerly Invitae), Labcorp); PubMed 11735025 (cited by Labcorp Genetics (formerly Invitae), Labcorp); PubMed 21480867 (cited by Labcorp Genetics (formerly Invitae), Labcorp).

NM_000203.5(IDUA):c.299+1G>C

Genes: IDUA (alpha-L-iduronidase; plus strand), SLC26A1 (solute carrier family 26 member 1; minus strand). Cytogenetic location: 4p16.3.
Variant type: single nucleotide variant.
Coding change: c.299+1G>C on transcript NM_000203.5 (MANE Select); the canonical splice donor site of the intron after coding-DNA position 299, G replaced by C.
Molecular consequence: splice donor variant. On other transcripts: 3 prime UTR variant (2), intron variant (1).
Genome position (GRCh38, 1-based): chr4:987,950, G>C. VCF-style: chr4-987950-G-C. GRCh37 (hg19) VCF-style: chr4-981738-G-C.
Other names: c.*883C>G (NM_022042.4, NM_213613.4); c.576+3178C>G (NM_134425.4).
Identifiers: ClinVar variation 1323093 (VCV001323093.7), dbSNP rs398123259, ClinGen allele CA355946725.